The following is an entry in ClinVar:

ClinVar aggregate classification (germline): Uncertain significance (1 of 4 stars; one submission).

Conditions:
Dyskeratosis congenita. Identifiers: Orphanet 1775, MedGen C0265965, MONDO:0015780.

Submission:

Ambry Genetics
Classification: Uncertain significance for Dyskeratosis congenita. Last evaluated: 2024-08-19. Review status: criteria provided, single submitter. Criteria: Ambry Variant Classification Scheme 2023. Collection method: clinical testing. Allele origin: germline.
Comment: The p.V160A variant (also known as c.479T>C), located in coding exon 2 of the TERT gene, results from a T to C substitution at nucleotide position 479. The valine at codon 160 is replaced by alanine, an amino acid with similar properties. This amino acid position is conserved. In addition, the in silico prediction for this alteration is inconclusive. Based on the available evidence, the clinical significance of this variant remains unclear.

NM_198253.3(TERT):c.479T>C (p.Val160Ala)

Gene: TERT (telomerase reverse transcriptase; minus strand). Cytogenetic location: 5p15.33.
Variant type: single nucleotide variant.
Coding change: c.479T>C on transcript NM_198253.3 (MANE Select); coding-DNA position 479, T replaced by C.
Protein change: p.Val160Ala; replaces valine 160 with alanine.
Molecular consequence: missense variant. On other transcripts: non-coding transcript variant (2).
Genome position (GRCh38, 1-based): chr5:1,294,407, A>G on the plus strand (T>C on the coding strand, the complement: TERT is on the minus strand). VCF-style: chr5-1294407-A-G. GRCh37 (hg19) VCF-style: chr5-1294522-A-G.
Other names: c.479T>C, p.Val160Ala (NM_001193376.3); short protein forms V160A.
Identifiers: ClinVar variation 3455178 (VCV003455178.1).
Genomic context (GRCh38, chr5:1,294,407, plus strand): 5'-GCGCCGAGCTGGTACAGCGGCGGCCCGCACACCTGGTAGGCGCAGCTGGGAGCCACCAGC[A>G]CAAAGAGCGCGCAGCGTGCCAGCAGGTGAACCAGCACGTCGTCGCCCACGCGGCGCAGCA-3'
Protein context (NP_937983.2, residues 150-170): VHLLARCALF[Val160Ala]LVAPSCAYQV